The following is an entry in ClinVar:

ClinVar aggregate classification (germline): Uncertain significance (1 of 4 stars; one submission).

Conditions:
Frontotemporal dementia and/or amyotrophic lateral sclerosis 4. Also called: FTDALS4. Identifiers: Orphanet 275872, MedGen C4225325, MONDO:0014641, OMIM 616439.

Submission:

Labcorp Genetics (formerly Invitae), Labcorp
Classification: Uncertain significance for Frontotemporal dementia and/or amyotrophic lateral sclerosis 4. Last evaluated: 2025-11-13. Review status: criteria provided, single submitter. Criteria: Invitae Variant Classification Sherloc (09022015). Collection method: clinical testing. Allele origin: germline.
Comment: This sequence change falls in intron 2 of the TBK1 gene. It does not directly change the encoded amino acid sequence of the TBK1 protein. This variant is present in population databases (rs756549490, gnomAD 0.001%). This variant has not been reported in the literature in individuals affected with TBK1-related conditions. Algorithms developed to predict the effect of sequence changes on RNA splicing suggest that this variant may create or strengthen a splice site. In summary, the available evidence is currently insufficient to determine the role of this variant in disease. Therefore, it has been classified as a Variant of Uncertain Significance.

NM_013254.4(TBK1):c.88-18TC[2]

Gene: TBK1 (TANK binding kinase 1; plus strand). Cytogenetic location: 12q14.2.
Variant type: Microsatellite.
Coding change: c.88-18TC[2] on transcript NM_013254.4 (MANE Select); two copies in a row of the 2-base unit TC starting at c.88-18.
Molecular consequence: intron variant.
Genome position: GRCh38 VCF-style: chr12-64460170-TTCTC-T. GRCh37 (hg19) VCF-style: chr12-64853950-TTCTC-T.
Identifiers: ClinVar variation 4771075 (VCV004771075.1).